The following is an entry in ClinVar:

ClinVar aggregate classification (germline): Uncertain significance. Review status: criteria provided, multiple submitters, no conflicts (2 of 4 stars). 2 submissions from 2 submitters: Uncertain significance (2). Last evaluated 2024-08-27.

Submissions (2):

Blueprint Genetics
Classification: Uncertain significance. Last evaluated: 2024-08-27. Review status: criteria provided, single submitter. Criteria: ACMG Guidelines, 2015. Collection method: clinical testing. Allele origin: germline.

Labcorp Genetics (formerly Invitae), Labcorp
Classification: Uncertain significance. Last evaluated: 2022-08-22. Review status: criteria provided, single submitter. Criteria: Invitae Variant Classification Sherloc (09022015). Collection method: clinical testing. Allele origin: germline.
Comment: This variant, c.1141_1149dup, results in the insertion of 3 amino acid(s) of the KCNV2 protein (p.Leu381_Arg383dup), but otherwise preserves the integrity of the reading frame. This variant is present in population databases (rs745311059, gnomAD 0.02%). This variant has not been reported in the literature in individuals affected with KCNV2-related conditions. ClinVar contains an entry for this variant (Variation ID: 1054872). Experimental studies and prediction algorithms are not available or were not evaluated, and the functional significance of this variant is currently unknown. In summary, the available evidence is currently insufficient to determine the role of this variant in disease. Therefore, it has been classified as a Variant of Uncertain Significance.

NM_133497.4(KCNV2):c.1141_1149dup (p.Leu381_Arg383dup)

Gene: KCNV2 (potassium voltage-gated channel modifier subfamily V member 2; plus strand). Cytogenetic location: 9p24.2.
Variant type: Duplication.
Coding change: c.1141_1149dup on transcript NM_133497.4 (MANE Select); coding-DNA positions 1141 to 1149, 9 bases duplicated (CTCATGCGC; older notation c.1141_1149dupCTCATGCGC).
Protein change: p.Leu381_Arg383dup.
Molecular consequence: inframe insertion.
Genome position (GRCh38, 1-based): chr9:2,718,880-2,718,888, CTCATGCGC duplicated; duplicating any 9 consecutive bases within chr9:2,718,872-2,718,888 gives the same sequence; the c. name uses the placement nearest the transcript's 3' end. VCF-style (leftmost placement, unchanged base first): chr9-2718871-G-GTCATGCGCC. GRCh37 (hg19) VCF-style: chr9-2718871-G-GTCATGCGCC.
Identifiers: ClinVar variation 1054872 (VCV001054872.5), dbSNP rs745311059, ClinGen allele CA4965780.
Genomic context (GRCh38, chr9:2,718,871, plus strand): 5'-GAGGGCCACCAACGCGGCCAGACGGTGGGCAGCGTGGGTAAGGTGGGTCAGGTGTTGCGC[G>GTCATGCGCC]TCATGCGCCTCATGCGCATCTTCCGCATCCTCAAGCTGGCGCGCCACTCCACCGGACTGC-3'